The following is an entry in ClinVar:

ClinVar aggregate classification (germline): Uncertain significance (1 of 4 stars; one submission).

Submission:

GeneDx
Classification: Uncertain significance. Last evaluated: 2025-01-19. Review status: criteria provided, single submitter. Criteria: GeneDx Variant Classification Process June 2021. Collection method: clinical testing. Allele origin: germline. Affected: yes.
Comment: Nonsense variant predicted to result in protein truncation or nonsense mediated decay in a gene or region of a gene for which loss of function is not a well-established mechanism of disease; Not observed at significant frequency in large population cohorts (gnomAD); Has not been previously published as pathogenic or benign to our knowledge

NM_001394062.1(MACF1):c.21603T>G (p.Tyr7201Ter)

Gene: MACF1 (microtubule actin crosslinking factor 1; plus strand). Cytogenetic location: 1p34.3.
Variant type: single nucleotide variant.
Coding change: c.21603T>G on transcript NM_001394062.1 (MANE Select); coding-DNA position 21603, T replaced by G.
Protein change: p.Tyr7201Ter; replaces tyrosine 7201 with a stop codon.
Molecular consequence: nonsense.
Genome position (GRCh38, 1-based): chr1:39,461,962, T>G. VCF-style: chr1-39461962-T-G. GRCh37 (hg19) VCF-style: chr1-39927634-T-G.
Other names: c.9681T>G, p.Tyr3227Ter (NM_001397473.1); c.15426T>G, p.Tyr5142Ter (NM_012090.5); short protein forms Y3227*, Y5142*, Y7201*.
Identifiers: ClinVar variation 4070825 (VCV004070825.1).